The following is an entry in ClinVar:

ClinVar aggregate classification (germline): Uncertain significance. Review status: criteria provided, multiple submitters, no conflicts (2 of 4 stars). 2 submissions from 2 submitters: Uncertain significance (2). Last evaluated 2025-07-02.

Conditions:
Hypertrophic cardiomyopathy. Also called: HYPERTROPHIC MYOCARDIOPATHY. Identifiers: Orphanet 217569, MedGen C0007194, MeSH D002312, MONDO:0005045, HP:0001639.

Allele frequency attached by ClinVar (database versions not stated): gnomAD exomes below 0.00001.
gnomAD v4.1: 3 of 1,612,060 alleles (0.00019%); highest among the groups gnomAD compares: Non-Finnish European, 0.00025%; no homozygotes.

Submissions (2):

Labcorp Genetics (formerly Invitae), Labcorp
Classification: Uncertain significance for Hypertrophic cardiomyopathy. Last evaluated: 2025-07-02. Review status: criteria provided, single submitter. Criteria: Invitae Variant Classification Sherloc (09022015). Collection method: clinical testing. Allele origin: germline.
Comment: This sequence change replaces valine, which is neutral and non-polar, with alanine, which is neutral and non-polar, at codon 1400 of the MYOM1 protein (p.Val1400Ala). This variant is not present in population databases (gnomAD no frequency). This variant has not been reported in the literature in individuals affected with MYOM1-related conditions. ClinVar contains an entry for this variant (Variation ID: 1738606). An algorithm developed to predict the effect of missense changes on protein structure and function (PolyPhen-2) suggests that this variant is likely to be tolerated. In summary, the available evidence is currently insufficient to determine the role of this variant in disease. Therefore, it has been classified as a Variant of Uncertain Significance.

Ambry Genetics
Classification: Uncertain significance. Last evaluated: 2022-03-03. Review status: criteria provided, single submitter. Criteria: Ambry Variant Classification Scheme 2023. Collection method: clinical testing. Allele origin: germline.
Comment: The p.V1400A variant (also known as c.4199T>C), located in coding exon 29 of the MYOM1 gene, results from a T to C substitution at nucleotide position 4199. The valine at codon 1400 is replaced by alanine, an amino acid with similar properties. This amino acid position is conserved. In addition, this alteration is predicted to be tolerated by in silico analysis. Since supporting evidence is limited at this time, the clinical significance of this alteration remains unclear.

NM_003803.4(MYOM1):c.4199T>C (p.Val1400Ala)

Gene: MYOM1 (myomesin 1; minus strand). Cytogenetic location: 18p11.31.
Variant type: single nucleotide variant.
Coding change: c.4199T>C on transcript NM_003803.4 (MANE Select); coding-DNA position 4199, T replaced by C.
Protein change: p.Val1400Ala; replaces valine 1400 with alanine.
Molecular consequence: missense variant.
Genome position (GRCh38, 1-based): chr18:3,086,090, A>G on the plus strand (T>C on the coding strand, the complement: MYOM1 is on the minus strand). VCF-style: chr18-3086090-A-G. GRCh37 (hg19) VCF-style: chr18-3086088-A-G.
Other names: c.3911T>C, p.Val1304Ala (NM_019856.2); short protein forms V1304A, V1400A.
Identifiers: ClinVar variation 1738606 (VCV001738606.3), dbSNP rs2510495386, ClinGen allele CA401710932.